The following is an entry in ClinVar:

ClinVar aggregate classification (germline): Uncertain significance (1 of 4 stars; one submission).

Conditions:
Dyskeratosis congenita, autosomal recessive 5 (DKCB5). Identifiers: MedGen C3554656, MONDO:0014076, OMIM 615190.
Pulmonary fibrosis and/or bone marrow failure, Telomere-related, 3. Also called: PULMONARY FIBROSIS AND/OR BONE MARROW FAILURE SYNDROME, TELOMERE-RELATED, 3. Identifiers: Orphanet 2032, MedGen C4225346, MONDO:0014613, OMIM 616373.

Submission:

Labcorp Genetics (formerly Invitae), Labcorp
Classification: Uncertain significance for Dyskeratosis congenita, autosomal recessive 5; Pulmonary fibrosis and/or bone marrow failure, Telomere-related, 3. Last evaluated: 2021-09-01. Review status: criteria provided, single submitter. Criteria: Invitae Variant Classification Sherloc (09022015). Collection method: clinical testing. Allele origin: germline.
Comment: This sequence change falls in intron 17 of the RTEL1 gene. It does not directly change the encoded amino acid sequence of the RTEL1 protein. This variant is not present in population databases (ExAC no frequency). This variant has not been reported in the literature in individuals affected with RTEL1-related conditions. Algorithms developed to predict the effect of sequence changes on RNA splicing suggest that this variant may disrupt the consensus splice site. In summary, the available evidence is currently insufficient to determine the role of this variant in disease. Therefore, it has been classified as a Variant of Uncertain Significance.

NM_001283009.2(RTEL1):c.1482-9C>A

Genes: RTEL1 (regulator of telomere elongation helicase 1; plus strand), RTEL1-TNFRSF6B (RTEL1-TNFRSF6B readthrough (NMD candidate); plus strand). Cytogenetic location: 20q13.33.
Variant type: single nucleotide variant.
Coding change: c.1482-9C>A on transcript NM_001283009.2 (MANE Select); 9 bases into the intron before coding-DNA position 1482, C replaced by A.
Molecular consequence: intron variant.
Genome position (GRCh38, 1-based): chr20:63,687,928, C>A. VCF-style: chr20-63687928-C-A. GRCh37 (hg19) VCF-style: chr20-62319281-C-A.
Other names: c.813-9C>A (NM_001283010.1); c.1554-9C>A (NM_032957.5); c.1482-9C>A (NM_016434.4).
Identifiers: ClinVar variation 650140 (VCV000650140.8), dbSNP rs1601163130, ClinGen allele CA915952583.